The following is an entry in ClinVar:

ClinVar aggregate classification (germline): Pathogenic (1 of 4 stars; one submission).

Submission:

GeneDx
Classification: Pathogenic. Last evaluated: 2024-12-09. Review status: criteria provided, single submitter. Criteria: GeneDx Variant Classification Process June 2021. Collection method: clinical testing. Allele origin: germline. Affected: yes.
Comment: Frameshift variant predicted to result in protein truncation or nonsense mediated decay in a gene for which loss of function is a known mechanism of disease; Not observed at significant frequency in large population cohorts (gnomAD); Has not been previously published as pathogenic or benign to our knowledge; This variant is associated with the following publications: (PMID: 36384198)

NM_176787.5(PIGN):c.1245_1250delinsC (p.Glu416fs)

Gene: PIGN (phosphatidylinositol glycan anchor biosynthesis class N; minus strand). Cytogenetic location: 18q21.33.
Variant type: Indel.
Coding change: c.1245_1250delinsC on transcript NM_176787.5 (MANE Select); coding-DNA positions 1245 to 1250, TGAAGT replaced by C.
Protein change: p.Glu416fs; shifts the reading frame from glutamic acid 416.
Molecular consequence: frameshift variant.
Genome position (GRCh38, 1-based): chr18:62,114,562-62,114,567, ACTTCA replaced by G on the plus strand (TGAAGT replaced by C on the coding strand, the reverse complement: PIGN is on the minus strand). VCF-style: chr18-62114562-ACTTCA-G. GRCh37 (hg19) VCF-style: chr18-59781795-ACTTCA-G.
Other names: c.1245_1250delinsC, p.Glu416fs (NM_012327.6); c.1245_1250delTGAAGTinsC (NM_176787.4); c.1245_1250delinsC (NM_176787.4); short protein forms E416fs.
Identifiers: ClinVar variation 817230 (VCV000817230.2), dbSNP rs1599554145, ClinGen allele CA915951574.